The following is an entry in ClinVar:

NM_000051.4(ATM):c.7827C>T (p.Ile2609=)

Genes: C11orf65 (chromosome 11 open reading frame 65; minus strand), ATM (ATM serine/threonine kinase; plus strand). Cytogenetic location: 11q22.3.
Variant type: single nucleotide variant.
Coding change: c.7827C>T on transcript NM_000051.4 (MANE Select); coding-DNA position 7827, C replaced by T.
Protein change: p.Ile2609=; no amino-acid change (isoleucine 2609 retained).
Molecular consequence: synonymous variant. On other transcripts: intron variant (2).
Genome position (GRCh38, 1-based): chr11:108,332,800, C>T. VCF-style: chr11-108332800-C-T. GRCh37 (hg19) VCF-style: chr11-108203527-C-T.
Other names: c.7827C>T, p.Ile2609= (NM_001351834.2); c.641-23729G>A (NM_001330368.2); c.*38+2420G>A (NM_001351110.2).
Identifiers: ClinVar variation 524432 (VCV000524432.17), dbSNP rs768423205, ClinGen allele CA6266198.

ClinVar aggregate classification (germline): Benign/Likely benign. Review status: criteria provided, multiple submitters, no conflicts (2 of 4 stars). 4 submissions from 4 submitters: Benign (1); Likely benign (3). Last evaluated 2026-01-29.

Conditions:
Hereditary cancer-predisposing syndrome. Also called: Hereditary Cancer Syndrome; Neoplastic Syndromes, Hereditary; Tumor predisposition; Hereditary neoplastic syndrome. Identifiers: Orphanet 140162, MedGen C0027672, MeSH D009386, MONDO:0015356.
Ataxia-telangiectasia syndrome (AT). Also called: Cerebello-oculocutaneous telangiectasia; Immunodeficiency with ataxia telangiectasia; Ataxia-telangiectasia, complementation group E; Ataxia-telangiectasia, complementation group D; AT, COMPLEMENTATION GROUP C; ATAXIA-TELANGIECTASIA, COMPLEMENTATION GROUP A. Identifiers: Orphanet 100, MedGen C0004135, MONDO:0008840, OMIM 208900.
Familial cancer of breast. Also called: BREAST CANCER, FAMILIAL; Hereditary breast cancer; hereditary breast carcinoma. Identifiers: Orphanet 227535, MedGen C0346153, MONDO:0016419, OMIM 114480. Disease mechanism: loss of function.

Allele frequency attached by ClinVar (database versions not stated): ExAC 0.00001; gnomAD exomes below 0.00001.
gnomAD v4.1: 1 of 1,613,246 alleles (0.000062%); no homozygotes.

Submissions (4):

Labcorp Genetics (formerly Invitae), Labcorp
Classification: Likely benign for Ataxia-telangiectasia syndrome. Last evaluated: 2026-01-29. Review status: criteria provided, single submitter. Criteria: Invitae Variant Classification Sherloc (09022015). Collection method: clinical testing. Allele origin: germline.

Myriad Genetics, Inc.
Classification: Benign for Familial cancer of breast. Last evaluated: 2024-06-17. Review status: criteria provided, single submitter. Criteria: Myriad Autosomal Dominant, Autosomal Recessive and X-Linked Classification Criteria (2023). Collection method: clinical testing. Allele origin: unknown.
Comment: This variant is considered benign. This variant is a silent/synonymous amino acid change and it is not expected to impact splicing.

Color Diagnostics, LLC DBA Color Health
Classification: Likely benign for Hereditary cancer-predisposing syndrome. Last evaluated: 2021-01-12. Review status: criteria provided, single submitter. Criteria: ACMG Guidelines, 2015. Collection method: clinical testing. Allele origin: germline.

Ambry Genetics
Classification: Likely benign for Hereditary cancer-predisposing syndrome. Last evaluated: 2017-10-10. Review status: criteria provided, single submitter. Criteria: Ambry Variant Classification Scheme 2023. Collection method: clinical testing. Allele origin: germline.